The following is an entry in ClinVar:

ClinVar aggregate classification (germline): Uncertain significance (1 of 4 stars; one submission).

Conditions:
Generalized epilepsy-paroxysmal dyskinesia syndrome (PNKD3). Also called: Paroxysmal nonkinesigenic dyskinesia, 3, with or without generalized epilepsy; Generalized epilepsy and paroxysmal dyskinesia. Identifiers: Orphanet 79137, MedGen C5574945, MONDO:0012276, OMIM 609446.

gnomAD v4.1: 2 of 1,614,092 alleles (0.00012%); highest among the groups gnomAD compares: Non-Finnish European, 0.000085%; no homozygotes.

Submission:

Labcorp Genetics (formerly Invitae), Labcorp
Classification: Uncertain significance for Generalized epilepsy-paroxysmal dyskinesia syndrome. Last evaluated: 2025-05-13. Review status: criteria provided, single submitter. Criteria: Invitae Variant Classification Sherloc (09022015). Collection method: clinical testing. Allele origin: germline.
Comment: This sequence change replaces glycine, which is neutral and non-polar, with arginine, which is basic and polar, at codon 902 of the KCNMA1 protein (p.Gly902Arg). This variant is not present in population databases (gnomAD no frequency). This variant has not been reported in the literature in individuals affected with KCNMA1-related conditions. ClinVar contains an entry for this variant (Variation ID: 3704090). An algorithm developed to predict the effect of missense changes on protein structure and function (PolyPhen-2) suggests that this variant is likely to be tolerated. In summary, the available evidence is currently insufficient to determine the role of this variant in disease. Therefore, it has been classified as a Variant of Uncertain Significance.

NM_001161352.2(KCNMA1):c.2878G>A (p.Gly960Arg)

Genes: KCNMA1 (potassium calcium-activated channel subfamily M alpha 1; minus strand), KCNMA1-AS1 (KCNMA1 antisense RNA 1; plus strand). Cytogenetic location: 10q22.3.
Variant type: single nucleotide variant.
Coding change: c.2878G>A on transcript NM_001161352.2 (MANE Select); coding-DNA position 2878, G replaced by A.
Protein change: p.Gly960Arg; replaces glycine 960 with arginine.
Molecular consequence: missense variant.
Genome position (GRCh38, 1-based): chr10:76,944,797, C>T on the plus strand (G>A on the coding strand, the complement: KCNMA1 is on the minus strand). VCF-style: chr10-76944797-C-T. GRCh37 (hg19) VCF-style: chr10-78704555-C-T.
Other names: c.2716G>A, p.Gly906Arg (NM_001014797.3, NM_001322835.2, NM_001322837.2); c.2827G>A, p.Gly943Arg (NM_001161353.2); c.2554G>A, p.Gly852Arg (NM_001271518.2); c.2713G>A, p.Gly905Arg (NM_001271519.2, NM_001322829.2, NM_001322836.2); c.2725G>A, p.Gly909Arg (NM_001322830.2); c.2704G>A, p.Gly902Arg (NM_001322832.2, NM_001410940.1, NM_002247.4); c.2251G>A, p.Gly751Arg (NM_001322838.2); short protein forms G751R, G906R, G852R, G943R, G909R, G902R, G905R, G960R.
Identifiers: ClinVar variation 3704090 (VCV003704090.2).